The following is an entry in ClinVar:

ClinVar aggregate classification (germline): Conflicting classifications of pathogenicity. Review status: criteria provided, conflicting classifications (1 of 4 stars). 2 submissions from 2 submitters: Uncertain significance (1); Benign (1). Last evaluated 2024-07-25.

Conditions:
Familial cancer of breast. Also called: Hereditary breast cancer; BREAST CANCER, FAMILIAL; hereditary breast carcinoma. Identifiers: Orphanet 227535, MedGen C0346153, MONDO:0016419, OMIM 114480. Disease mechanism: loss of function.

Submissions (2):

Myriad Genetics, Inc.
Classification: Benign for Familial cancer of breast. Last evaluated: 2024-07-25. Review status: criteria provided, single submitter. Criteria: Myriad Autosomal Dominant, Autosomal Recessive and X-Linked Classification Criteria (2023). Collection method: clinical testing. Allele origin: unknown.
Comment: This variant is considered benign. This variant is a silent/synonymous amino acid change and it is not expected to impact splicing.

Women's Health and Genetics/Laboratory Corporation of America, LabCorp
Classification: Uncertain significance. Last evaluated: 2019-03-13. Review status: criteria provided, single submitter. Criteria: LabCorp Variant Classification Summary - May 2015. Collection method: clinical testing. Allele origin: germline.
Comment: Variant summary: BARD1 c.1470C>G alters a non-conserved nucleotide resulting in a synonymous change. 5/5 computational tools predict no significant impact on normal splicing. However, these predictions have yet to be confirmed by functional studies. The variant allele was found at a frequency of 2.4e-05 in 246078 control chromosomes (gnomAD). The available data on variant occurrences in the general population are insufficient to allow any conclusion about variant significance. To our knowledge, no occurrence of c.1470C>G in individuals affected with Hereditary Breast and Ovarian Cancer and no experimental evidence demonstrating its impact on protein function have been reported. No clinical diagnostic laboratories have submitted clinical-significance assessments for this variant to ClinVar after 2014. Based on the evidence outlined above, the variant was classified as VUS-possibly benign.

NM_000465.4(BARD1):c.1470C>G (p.Thr490=)

Gene: BARD1 (BRCA1 associated RING domain 1; minus strand). Cytogenetic location: 2q35.
Variant type: single nucleotide variant.
Coding change: c.1470C>G on transcript NM_000465.4 (MANE Select); coding-DNA position 1470, C replaced by G.
Protein change: p.Thr490=; no amino-acid change (threonine 490 retained).
Molecular consequence: synonymous variant. On other transcripts: non-coding transcript variant (3), intron variant (3).
Genome position (GRCh38, 1-based): chr2:214,767,580, G>C on the plus strand (C>G on the coding strand, the complement: BARD1 is on the minus strand). VCF-style: chr2-214767580-G-C. GRCh37 (hg19) VCF-style: chr2-215632304-G-C.
Other names: c.1413C>G, p.Thr471= (NM_001282543.2); c.159-15025C>G (NM_001282548.2); c.216-15025C>G (NM_001282545.2); c.364+24717C>G (NM_001282549.2).
Identifiers: ClinVar variation 928639 (VCV000928639.2), dbSNP rs758895846, ClinGen allele CA431129525.